The following is an entry in ClinVar:

NM_003482.4(KMT2D):c.5189-4A>T

Gene: KMT2D (lysine methyltransferase 2D; minus strand). Cytogenetic location: 12q13.12.
Variant type: single nucleotide variant.
Coding change: c.5189-4A>T on transcript NM_003482.4 (MANE Select); 4 bases into the intron before coding-DNA position 5189, A replaced by T.
Molecular consequence: intron variant.
Genome position (GRCh38, 1-based): chr12:49,044,002, T>A on the plus strand (A>T on the coding strand, the complement: KMT2D is on the minus strand). VCF-style: chr12-49044002-T-A. GRCh37 (hg19) VCF-style: chr12-49437785-T-A.
Other names: c.5189-4A>T (NM_003482.3).
Identifiers: ClinVar variation 2085147 (VCV002085147.6), dbSNP rs371222896, ClinGen allele CA2580086339.

ClinVar aggregate classification (germline): Likely benign. Review status: criteria provided, single submitter (1 of 4 stars). 2 submissions from 2 submitters: Likely benign (1). 1 of the submissions does not count toward it. Last evaluated 2022-10-04.

Conditions:
Kabuki syndrome. Also called: Kabuki make-up syndrome; NIIKAWA-KUROKI SYNDROME. Identifiers: Orphanet 2322, MedGen C0796004, MONDO:0016512.
KMT2D-related disorder. Also called: KMT2D-Related Disorders.

Submissions (2):

Labcorp Genetics (formerly Invitae), Labcorp
Classification: Likely benign for Kabuki syndrome. Last evaluated: 2022-10-04. Review status: criteria provided, single submitter. Criteria: Invitae Variant Classification Sherloc (09022015). Collection method: clinical testing. Allele origin: germline.

PreventionGenetics, part of Exact Sciences
Classification: Likely benign for KMT2D-related condition. Last evaluated: 2023-02-07. Review status: no assertion criteria provided. Collection method: clinical testing. Allele origin: germline. Not counted in ClinVar's aggregate classification.
Comment: This variant is classified as likely benign based on ACMG/AMP sequence variant interpretation guidelines (Richards et al. 2015 PMID: 25741868, with internal and published modifications).